The following is an entry in ClinVar:

ClinVar aggregate classification (germline): Uncertain significance (1 of 4 stars; one submission).

Allele frequency attached by ClinVar (database versions not stated): TOPMed below 0.00001.
gnomAD v4.1: 6 of 1,614,124 alleles (0.00037%); highest among the groups gnomAD compares: Non-Finnish European, 0.00051%; no homozygotes.

Submission:

Labcorp Genetics (formerly Invitae), Labcorp
Classification: Uncertain significance. Last evaluated: 2022-09-27. Review status: criteria provided, single submitter. Criteria: Invitae Variant Classification Sherloc (09022015). Collection method: clinical testing. Allele origin: germline.
Comment: In summary, the available evidence is currently insufficient to determine the role of this variant in disease. Therefore, it has been classified as a Variant of Uncertain Significance. Advanced modeling of protein sequence and biophysical properties (such as structural, functional, and spatial information, amino acid conservation, physicochemical variation, residue mobility, and thermodynamic stability) performed at Invitae indicates that this missense variant is not expected to disrupt CNNM4 protein function. ClinVar contains an entry for this variant (Variation ID: 1351583). This variant has not been reported in the literature in individuals affected with CNNM4-related conditions. This variant is not present in population databases (gnomAD no frequency). This sequence change replaces asparagine, which is neutral and polar, with tyrosine, which is neutral and polar, at codon 594 of the CNNM4 protein (p.Asn594Tyr).

NM_020184.4(CNNM4):c.1780A>T (p.Asn594Tyr)

Gene: CNNM4 (cyclin and CBS domain divalent metal cation transport mediator 4; plus strand). Cytogenetic location: 2q11.2.
Variant type: single nucleotide variant.
Coding change: c.1780A>T on transcript NM_020184.4 (MANE Select); coding-DNA position 1780, A replaced by T.
Protein change: p.Asn594Tyr; replaces asparagine 594 with tyrosine.
Molecular consequence: missense variant.
Genome position (GRCh38, 1-based): chr2:96,799,155, A>T. VCF-style: chr2-96799155-A-T. GRCh37 (hg19) VCF-style: chr2-97464892-A-T.
Other names: short protein forms N594Y.
Identifiers: ClinVar variation 1351583 (VCV001351583.8), dbSNP rs996702633, ClinGen allele CA347704805.